The following is an entry in ClinVar:

ClinVar aggregate classification (germline): Uncertain significance (1 of 4 stars; one submission).

Conditions:
Wilson disease (WND). Also called: Wilson's disease. Identifiers: Orphanet 905, MedGen C0019202, MONDO:0010200, OMIM 277900. Disease mechanism: loss of function.

Submission:

All of Us Research Program, National Institutes of Health
Classification: Uncertain significance for Wilson disease. Last evaluated: 2024-03-24. Review status: criteria provided, single submitter. Criteria: ACMG Guidelines, 2015. Collection method: clinical testing. Allele origin: germline. Inheritance: Autosomal recessive inheritance. Observed: 1 variant allele, 1 heterozygote.
Comment: This missense variant replaces tyrosine with histidine at codon 301 of the ATP7B protein. Computational prediction suggests that this variant may not impact protein structure and function (internally defined REVEL score threshold <= 0.5, PMID: 27666373). To our knowledge, functional studies have not been reported for this variant. This variant has not been reported in individuals affected with ATP7B-related disorders in the literature. This variant has not been identified in the general population by the Genome Aggregation Database (gnomAD). The available evidence is insufficient to determine the role of this variant in disease conclusively. Therefore, this variant is classified as a Variant of Uncertain Significance.

This study involves interpretation of variants in research participants for the purpose of population health screening. Participant phenotype was not available at the time of variant classification. Additional details can be found in publication PMID: 35346344, PMCID: PMC8962531

NM_000053.4(ATP7B):c.901T>C (p.Tyr301His)

Gene: ATP7B (ATPase copper transporting beta; minus strand). Cytogenetic location: 13q14.3.
Variant type: single nucleotide variant.
Coding change: c.901T>C on transcript NM_000053.4 (MANE Select); coding-DNA position 901, T replaced by C.
Protein change: p.Tyr301His; replaces tyrosine 301 with histidine.
Molecular consequence: missense variant. On other transcripts: intron variant (2).
Genome position (GRCh38, 1-based): chr13:51,974,319, A>G on the plus strand (T>C on the coding strand, the complement: ATP7B is on the minus strand). VCF-style: chr13-51974319-A-G. GRCh37 (hg19) VCF-style: chr13-52548455-A-G.
Other names: c.901T>C, p.Tyr301His (NM_001005918.3, NM_001330578.2, NM_001330579.2 and 29 more transcripts); c.805T>C, p.Tyr269His (NM_001406530.1, NM_001406517.1, NM_001406518.1 and 3 more transcripts); c.802+99T>C (NM_001243182.2); c.706+99T>C (NM_001406539.1); short protein forms Y269H, Y301H.
Identifiers: ClinVar variation 3385759 (VCV003385759.1).